The following is an entry in ClinVar:

ClinVar aggregate classification (germline): Uncertain significance (1 of 4 stars; one submission).

Conditions:
Familial focal epilepsy with variable foci (FPEVF). Identifiers: Orphanet 98820, MedGen C1858477, MONDO:0020310.

Submission:

Labcorp Genetics (formerly Invitae), Labcorp
Classification: Uncertain significance for Familial focal epilepsy with variable foci. Last evaluated: 2022-03-20. Review status: criteria provided, single submitter. Criteria: Invitae Variant Classification Sherloc (09022015). Collection method: clinical testing. Allele origin: germline.
Comment: In summary, the available evidence is currently insufficient to determine the role of this variant in disease. Therefore, it has been classified as a Variant of Uncertain Significance. Algorithms developed to predict the effect of missense changes on protein structure and function are either unavailable or do not agree on the potential impact of this missense change (SIFT: "Deleterious"; PolyPhen-2: "Not Available"; Align-GVGD: "Class C0"). This variant has not been reported in the literature in individuals affected with DEPDC5-related conditions. This variant is not present in population databases (gnomAD no frequency). This sequence change replaces serine, which is neutral and polar, with leucine, which is neutral and non-polar, at codon 1070 of the DEPDC5 protein (p.Ser1070Leu).

NM_001242896.3(DEPDC5):c.3209C>T (p.Ser1070Leu)

Gene: DEPDC5 (DEP domain containing 5, GATOR1 subcomplex subunit; plus strand). Cytogenetic location: 22q12.3.
Variant type: single nucleotide variant.
Coding change: c.3209C>T on transcript NM_001242896.3 (MANE Select); coding-DNA position 3209, C replaced by T.
Protein change: p.Ser1070Leu; replaces serine 1070 with leucine.
Molecular consequence: missense variant. On other transcripts: non-coding transcript variant (5).
Genome position (GRCh38, 1-based): chr22:31,857,498, C>T. VCF-style: chr22-31857498-C-T. GRCh37 (hg19) VCF-style: chr22-32253484-C-T.
Other names: c.3182C>T, p.Ser1061Leu (NM_001136029.4, NM_001369903.1, NM_014662.6); c.2975C>T, p.Ser992Leu (NM_001242897.2, NM_001363854.2, NM_001364319.2); c.3209C>T, p.Ser1070Leu (NM_001363852.2, NM_001364318.2, NM_001364320.2); c.3125C>T, p.Ser1042Leu (NM_001369901.1, NM_001369902.1); short protein forms S1042L, S1061L, S1070L, S992L.
Identifiers: ClinVar variation 2115148 (VCV002115148.4), dbSNP rs2521239827, ClinGen allele CA411293793.